The following is an entry in ClinVar:

NM_004006.3(DMD):c.4402G>T (p.Glu1468Ter)

Gene: DMD (dystrophin; minus strand). Cytogenetic location: Xp21.1.
Variant type: single nucleotide variant.
Coding change: c.4402G>T on transcript NM_004006.3 (MANE Select); coding-DNA position 4402, G replaced by T.
Protein change: p.Glu1468Ter; replaces glutamic acid 1468 with a stop codon.
Molecular consequence: nonsense.
Genome position (GRCh38, 1-based): chrX:32,389,617, C>A on the plus strand (G>T on the coding strand, the complement: DMD is on the minus strand). VCF-style: chrX-32389617-C-A. GRCh37 (hg19) VCF-style: chrX-32407734-C-A.
Other names: c.4378G>T, p.Glu1460Ter (NM_000109.4); c.4390G>T, p.Glu1464Ter (NM_004009.3); c.4033G>T, p.Glu1345Ter (NM_004010.3); c.379G>T, p.Glu127Ter (NM_004011.4); c.370G>T, p.Glu124Ter (NM_004012.4); short protein forms E124*, E127*, E1345*, E1460*, E1464*, E1468*.
Identifiers: ClinVar variation 917478 (VCV000917478.3), dbSNP rs2097986793, ClinGen allele CA412663608.

ClinVar aggregate classification (germline): Pathogenic (1 of 4 stars; one submission).

Conditions:
Duchenne muscular dystrophy (DMD). Also called: Duchenne Muscular Dystrophy (DMD); MUSCULAR DYSTROPHY, PSEUDOHYPERTROPHIC PROGRESSIVE, DUCHENNE TYPE. Identifiers: Orphanet 98896, MedGen C0013264, MONDO:0010679, OMIM 310200.

Submission:

Neuromuscular Diagnostic Laboratory, American University of Beirut Medical Center
Classification: Pathogenic for Duchenne muscular dystrophy. Last evaluated: 2019-10-10. Review status: criteria provided, single submitter. Criteria: ACMG Guidelines, 2015. Collection method: research. Allele origin: inherited. Inheritance: X-linked recessive inheritance. Affected: yes. Observed: 1 hemizygote.